The following is an entry in ClinVar:

NM_001114753.3(ENG):c.1311+2T>C

Genes: ENG (endoglin; minus strand), LOC102723566 (uncharacterized LOC102723566; plus strand). Cytogenetic location: 9q34.11.
Variant type: single nucleotide variant.
Coding change: c.1311+2T>C on transcript NM_001114753.3 (MANE Select); the canonical splice donor site of the intron after coding-DNA position 1311, T replaced by C.
Molecular consequence: splice donor variant.
Genome position (GRCh38, 1-based): chr9:127,819,620, A>G on the plus strand (T>C on the coding strand, the complement: ENG is on the minus strand). VCF-style: chr9-127819620-A-G. GRCh37 (hg19) VCF-style: chr9-130581899-A-G.
Other names: c.1311+2T>C (NM_001114753.2, NM_000118.4); c.765+2T>C (NM_001278138.2).
Identifiers: ClinVar variation 2136817 (VCV002136817.8), dbSNP rs111694746, ClinGen allele CA374977968.

ClinVar aggregate classification (germline): Pathogenic/Likely pathogenic. Review status: criteria provided, multiple submitters, no conflicts (2 of 4 stars). 4 submissions from 4 submitters: Pathogenic (3); Likely pathogenic (1). Last evaluated 2023-12-21.

Conditions:
Hereditary hemorrhagic telangiectasia (HHT). Also called: ORW DISEASE; Osler Weber Rendu syndrome; OSLER-RENDU-WEBER DISEASE; Osler hemorrhagic telangiectasia syndrome. Identifiers: Orphanet 774, MedGen C0039445, MONDO:0019180. Disease mechanism: loss of function.
ENG-related disorder. Also called: ENG-related condition; ENG-related disorders.
Telangiectasia, hereditary hemorrhagic, type 1 (HHT1). Also called: Osler Weber Rendu syndrome type 1; ENG-Related Hereditary Hemorrhagic Telangiectasia. Identifiers: Orphanet 774, MedGen C4551861, MONDO:0008535, OMIM 187300. Disease mechanism: loss of function.

Submissions (5):

Victorian Clinical Genetics Services, Murdoch Childrens Research Institute
Classification: Pathogenic for Telangiectasia, hereditary hemorrhagic, type 1. Last evaluated: 2023-12-21. Review status: criteria provided, single submitter. Criteria: ACMG Guidelines, 2015. Collection method: clinical testing. Allele origin: germline. Inheritance: Autosomal dominant inheritance. Affected: yes.
Comment: Based on the classification scheme VCGS_Germline_v1.3.4, this variant is classified as Pathogenic. Following criteria are met: 0103 - Dominant negative and loss of function are known mechanisms of disease in this gene and are associated with type 1 hereditary haemorrhagic telangiectasia (MIM#187300). Pathogenic missense variants have been demonstrated to have dominant negative and loss of function effects while premature termination variants are associated with a loss of function mechanism (PMIDs: 2508034, 25312062). (I) 0107 - This gene is associated with autosomal dominant disease. (I) 0211 - Canonical splice site variant without proven consequence on splicing (no functional evidence available). (SP) 0251 - This variant is heterozygous. (I) 0301 - Variant is absent from gnomAD (both v2 and v3). (SP) 0505 - Abnormal splicing is predicted by in silico tools and affected nucleotide is highly conserved. (SP) 0600 - Variant is predicted to disrupt the Zona pellucida-like domain (DECIPHER). (I) 0701 - Other canonical splice site variants comparable to the one identified in this case have very strong previous evidence for pathogenicity. c.1311+2T>G, c.1311+2T>A, c.1311+1G>A and c.1311+1G>C have been reported as pathogenic by clinical laboratories (ClinVar). (SP) 0801 - This variant has strong previous evidence of pathogenicity in unrelated individuals. It has been reported in multiple individuals with hereditary haemorrhagic telangiectasia (PMIDs: 16752392, 34872578). It has also been reported as pathogenic by a clinical laboratory (ClinVar). (SP) 1007 - No published functional evidence has been identified for this variant. (I) 1208 - Inheritance information for this variant is not currently available in this individual. (I) Legend: (SP) - Supporting pathogenic, (I) - Information, (SB) - Supporting benign

Blueprint Genetics
Classification: Pathogenic for ENG-related disorders. Last evaluated: 2023-11-17. Review status: criteria provided, single submitter. Criteria: ACMG Guidelines, 2015. Collection method: clinical testing. Allele origin: germline. Affected: yes. Observed: 1 variant allele.

Molecular Genetics, Royal Melbourne Hospital
Classification: Likely pathogenic for Hereditary hemorrhagic telangiectasia. Last evaluated: 2023-03-30. Review status: criteria provided, single submitter. Criteria: ACMG Guidelines, 2015. Collection method: clinical testing. Allele origin: germline. Affected: yes.
Comment: This sequence change in ENG occurs within the canonical splice donor site (+ 2) of intron 10. It is predicted to cause skipping of biologically relevant-exon 10, resulting in an in-frame deletion (removes amino acids 425-437) that is expected to escape nonsense-mediated decay and remove <10% of the protein. The region of the Zona Pellucida domain removed is expected to be critical to protein function because multiple pathogenic variants altering this splice site have been reported (c.1311+2T>A, c.1311+2T>G, c.1311G>C, c.1311G>A; ARUP ENG database; PMID: 9554745, 10625079, 15517393). This variant is absent from the population database gnomAD v2.1 and v3.1. It has been reported in at least two probands with a clinical diagnosis of hereditary haemorrhagic telangiectasia (PMID: 16752392; internal laboratory data). Based on the classification scheme RMH Modified ACMG Guidelines v1.5.1, this variant is classified as LIKELY PATHOGENIC. Following criteria are met: PVS1_Strong, PS4_Moderate, PM2_Supporting.

Labcorp Genetics (formerly Invitae), Labcorp
Classification: Pathogenic for Hereditary hemorrhagic telangiectasia. Last evaluated: 2022-05-27. Review status: criteria provided, single submitter. Criteria: Invitae Variant Classification Sherloc (09022015). Collection method: clinical testing. Allele origin: germline.
Comment: For these reasons, this variant has been classified as Pathogenic. Algorithms developed to predict the effect of sequence changes on RNA splicing suggest that this variant may disrupt the consensus splice site. Disruption of this splice site has been observed in individuals with hereditary hemorrhagic telangiectasia (PMID: 16752392, 21158752). This variant is not present in population databases (gnomAD no frequency). This sequence change affects a donor splice site in intron 10 of the ENG gene. It is expected to disrupt RNA splicing. Variants that disrupt the donor or acceptor splice site typically lead to a loss of protein function (PMID: 16199547), and loss-of-function variants in ENG are known to be pathogenic (PMID: 15879500).

Dr. Peter K. Rogan Lab, Western University
No classification provided (evidence only). Condition: Ovarian serous cystadenocarcinoma. Review status: no classification provided. Collection method: in vitro. Allele origin: not applicable. Functional consequence: retained intron. Not counted in ClinVar's aggregate classification.

Literature cited by the submitters: PubMed 16752392 (cited by 3 submitters); PubMed 25080347 (cited by Victorian Clinical Genetics Services, Murdoch Childrens Research Institute); PubMed 25312062 (cited by Victorian Clinical Genetics Services, Murdoch Childrens Research Institute); PubMed 34872578 (cited by Victorian Clinical Genetics Services, Murdoch Childrens Research Institute); PubMed 9554745 (cited by Molecular Genetics, Royal Melbourne Hospital); PubMed 10625079 (cited by Molecular Genetics, Royal Melbourne Hospital); PubMed 15517393 (cited by Molecular Genetics, Royal Melbourne Hospital); PubMed 21158752 (cited by Labcorp Genetics (formerly Invitae), Labcorp); PubMed 16199547 (cited by Labcorp Genetics (formerly Invitae), Labcorp); PubMed 15879500 (cited by Labcorp Genetics (formerly Invitae), Labcorp).